The following is an entry in ClinVar:

NM_000321.3(RB1):c.2108T>C (p.Ile703Thr)

Gene: RB1 (RB transcriptional corepressor 1; plus strand). Cytogenetic location: 13q14.2.
Variant type: single nucleotide variant.
Coding change: c.2108T>C on transcript NM_000321.3 (MANE Select); coding-DNA position 2108, T replaced by C.
Protein change: p.Ile703Thr; replaces isoleucine 703 with threonine.
Molecular consequence: missense variant.
Genome position (GRCh38, 1-based): chr13:48,463,732, T>C. VCF-style: chr13-48463732-T-C. GRCh37 (hg19) VCF-style: chr13-49037868-T-C.
Other names: c.2108T>C, p.Ile703Thr (NM_001407165.1); short protein forms I703T.
Identifiers: ClinVar variation 3075648 (VCV003075648.1), dbSNP rs2542373507, ClinGen allele CA388166998.

ClinVar aggregate classification (germline): Uncertain significance (1 of 4 stars; one submission).

Conditions:
Retinoblastoma (RB1). Also called: RETINOBLASTOMA, SOMATIC. Identifiers: Orphanet 790, MedGen C0035335, MeSH D012175, MONDO:0008380, OMIM 180200, HP:0009919. Disease mechanism: loss of function. Inheritance: Both sporadic and heritable forms are tested..

Submission:

All of Us Research Program, National Institutes of Health
Classification: Uncertain significance for Retinoblastoma. Last evaluated: 2023-05-30. Review status: criteria provided, single submitter. Criteria: ACMG Guidelines, 2015. Collection method: clinical testing. Allele origin: germline. Inheritance: Autosomal dominant inheritance. Observed: 2 variant alleles, 2 heterozygotes.
Comment: This missense variant replaces isoleucine with threonine at codon 703 of the RB1 protein. Computational prediction suggests that this variant may have deleterious impact on protein structure and function (internally defined REVEL score threshold >= 0.7, PMID: 27666373). To our knowledge, functional studies have not been reported for this variant. This variant has been reported in an individual in the the Leiden Open-source Variation Database (LOVD). This variant has not been identified in the general population by the Genome Aggregation Database (gnomAD). The available evidence is insufficient to determine the role of this variant in disease conclusively. Therefore, this variant is classified as a Variant of Uncertain Significance.

This study involves interpretation of variants in research participants for the purpose of population health screening. Participant phenotype was not available at the time of variant classification. Additional details can be found in publication PMID: 35346344, PMCID: PMC8962531